The following is an entry in ClinVar:

NM_006892.4(DNMT3B):c.592G>T (p.Gly198Trp)

Gene: DNMT3B (DNA methyltransferase 3 beta; plus strand). Cytogenetic location: 20q11.21.
Variant type: single nucleotide variant.
Coding change: c.592G>T on transcript NM_006892.4 (MANE Select); coding-DNA position 592, G replaced by T.
Protein change: p.Gly198Trp; replaces glycine 198 with tryptophan.
Molecular consequence: missense variant.
Genome position (GRCh38, 1-based): chr20:32,787,389, G>T. VCF-style: chr20-32787389-G-T. GRCh37 (hg19) VCF-style: chr20-31375195-G-T.
Other names: c.466G>T, p.Gly156Trp (NM_001207055.2); c.364G>T, p.Gly122Trp (NM_001207056.2); c.592G>T, p.Gly198Trp (NM_175848.2, NM_175849.2); c.628G>T, p.Gly210Trp (NM_175850.3); short protein forms G156W, G122W, G210W, G198W.
Identifiers: ClinVar variation 659703 (VCV000659703.9), dbSNP rs61758433, ClinGen allele CA9810261.

ClinVar aggregate classification (germline): Conflicting classifications of pathogenicity. Review status: criteria provided, conflicting classifications (1 of 4 stars). 3 submissions from 3 submitters: Uncertain significance (2); Likely benign (1). Last evaluated 2026-02-02.

Conditions:
DNMT3B-related disorder. Also called: DNMT3B-related condition.
Immunodeficiency-centromeric instability-facial anomalies syndrome 1 (ICF1). Identifiers: Orphanet 2268, MedGen C4551557, MONDO:0009454, OMIM 242860.
Centromeric instability of chromosomes 1,9 and 16 and immunodeficiency (ICF1). Also called: IMMUNE DEFICIENCY, VARIABLE, WITH CENTROMERIC INSTABILITY OF CHROMOSOMES 1, 9, AND 16; IMMUNODEFICIENCY SYNDROME, VARIABLE; CENTROMERIC INSTABILITY, IMMUNODEFICIENCY SYNDROME; Immunodeficiency-centromeric instability-facial anomalies. Identifiers: Orphanet 2268, MedGen C0398788, MONDO:0000133.

Allele frequency attached by ClinVar (database versions not stated): TOPMed 0.00002; ESP Exome Variant Server 0.00008; gnomAD 0.00010; 1000 Genomes Project 0.00040; 1000 Genomes Project 30x 0.00047.

Submissions (3):

Labcorp Genetics (formerly Invitae), Labcorp
Classification: Likely benign for Centromeric instability of chromosomes 1,9 and 16 and immunodeficiency. Last evaluated: 2026-02-02. Review status: criteria provided, single submitter. Criteria: Invitae Variant Classification Sherloc (09022015). Collection method: clinical testing. Allele origin: germline.

PreventionGenetics, part of Exact Sciences
Classification: Uncertain significance for DNMT3B-related condition. Last evaluated: 2023-08-09. Review status: criteria provided, single submitter. Criteria: ACMG Guidelines, 2015. Collection method: clinical testing. Allele origin: germline.
Comment: The DNMT3B c.592G>T variant is predicted to result in the amino acid substitution p.Gly198Trp. This variant was reported in an individual with Hirschsprung disease (Torroglosa et al 2014. PubMed ID: 24577265). This variant is reported in 0.10% of alleles in individuals of East Asian descent in gnomAD. At this time, the clinical significance of this variant is uncertain due to the absence of conclusive functional and genetic evidence.

Illumina Laboratory Services, Illumina
Classification: Uncertain significance for Immunodeficiency-centromeric instability-facial anomalies syndrome 1. Last evaluated: 2017-04-27. Review status: criteria provided, single submitter. Criteria: ICSL Variant Classification Criteria 13 December 2019. Collection method: clinical testing. Allele origin: germline.